The following is an entry in ClinVar:

ClinVar aggregate classification (germline): Uncertain significance (1 of 4 stars; one submission).

Conditions:
Ullrich congenital muscular dystrophy 2 (UCMD2). Identifiers: Orphanet 75840, MedGen C4225314, MONDO:0014654, OMIM 616470.
Bethlem myopathy 2 (BTHLM2). Identifiers: Orphanet 536516, Orphanet 610, MedGen C4225313, MONDO:0034022, OMIM 616471.

Submission:

Labcorp Genetics (formerly Invitae), Labcorp
Classification: Uncertain significance for Bethlem myopathy 2; Ullrich congenital muscular dystrophy 2. Last evaluated: 2024-05-29. Review status: criteria provided, single submitter. Criteria: Invitae Variant Classification Sherloc (09022015). Collection method: clinical testing. Allele origin: germline.
Comment: This sequence change replaces valine, which is neutral and non-polar, with isoleucine, which is neutral and non-polar, at codon 2911 of the COL12A1 protein (p.Val2911Ile). This variant is not present in population databases (gnomAD no frequency). This variant has not been reported in the literature in individuals affected with COL12A1-related conditions. An algorithm developed to predict the effect of missense changes on protein structure and function (PolyPhen-2) suggests that this variant is likely to be disruptive. In summary, the available evidence is currently insufficient to determine the role of this variant in disease. Therefore, it has been classified as a Variant of Uncertain Significance.

NM_004370.6(COL12A1):c.8731G>A (p.Val2911Ile)

Gene: COL12A1 (collagen type XII alpha 1 chain; minus strand). Cytogenetic location: 6q13.
Variant type: single nucleotide variant.
Coding change: c.8731G>A on transcript NM_004370.6 (MANE Select); coding-DNA position 8731, G replaced by A.
Protein change: p.Val2911Ile; replaces valine 2911 with isoleucine.
Molecular consequence: missense variant.
Genome position (GRCh38, 1-based): chr6:75,091,344, C>T on the plus strand (G>A on the coding strand, the complement: COL12A1 is on the minus strand). VCF-style: chr6-75091344-C-T. GRCh37 (hg19) VCF-style: chr6-75801060-C-T.
Other names: c.8731G>A, p.Val2911Ile (NM_001424113.1); c.8710G>A, p.Val2904Ile (NM_001424114.1); c.8458G>A, p.Val2820Ile (NM_001424115.1); c.5239G>A, p.Val1747Ile (NM_001424116.1, NM_080645.3); short protein forms V1747I, V2820I, V2904I, V2911I.
Identifiers: ClinVar variation 3753059 (VCV003753059.2).
Genomic context (GRCh38, chr6:75,091,344, plus strand): 5'-TTAAAACAATTCATACAGTAAAAAGAAAAGAAATTTTACCACTTATCAATTGTTCACAGA[C>T]TTGTCTTGCAACTGCTCGCATCATGTTCTGGGAAGCAATGTCTCCCTTGTTGAATTAATG-3'
Protein context (NP_004361.3, residues 2901-2921): QNMMRAVARQ[Val2911Ile]CEQLISGQMN